The following is an entry in ClinVar:

NM_004357.5(CD151):c.493C>T (p.Arg165Ter)

Gene: CD151 (CD151 molecule (Raph blood group); plus strand). Cytogenetic location: 11p15.5.
Variant type: single nucleotide variant.
Coding change: c.493C>T on transcript NM_004357.5 (MANE Select); coding-DNA position 493, C replaced by T.
Protein change: p.Arg165Ter; replaces arginine 165 with a stop codon.
Molecular consequence: nonsense.
Genome position (GRCh38, 1-based): chr11:837,496, C>T. VCF-style: chr11-837496-C-T. GRCh37 (hg19) VCF-style: chr11-837496-C-T.
Other names: c.493C>T, p.Arg165Ter (NM_001039490.2, NM_139029.2, NM_139030.4); short protein forms R165*.
Identifiers: ClinVar variation 1028736 (VCV001028736.27), dbSNP rs759213580, ClinGen allele CA5792243.
Genomic context (GRCh38, chr11:837,496, plus strand): 5'-ACCCCAGCCTTGTTCTTGATGCAGTTCCACTGCTGTGGCAGCAACAACTCACAGGACTGG[C>T]GAGACAGTGAGTGGATCCGCTCACAGGAGGCCGGTGGCCGTGTGGTCCCAGACAGCTGCT-3'

ClinVar aggregate classification (germline): Conflicting classifications of pathogenicity. Review status: criteria provided, conflicting classifications (1 of 4 stars). 5 submissions from 5 submitters: Pathogenic (3); Uncertain significance (1). 1 of the submissions does not count toward it. Last evaluated 2025-08-14.

Conditions:
Epidermolysis bullosa simplex 7, with nephropathy and deafness. Also called: Nephrotic syndrome - deafness - pretibial epidermolysis bullosa syndrome; Nephropathy with Pretibial Epidermolysis Bullosa and Deafness. Identifiers: Orphanet 300333, MedGen C1836823, MONDO:0012190, OMIM 609057.

Allele frequency attached by ClinVar (database versions not stated): ExAC 0.00001; gnomAD exomes 0.00001.
gnomAD v4.1: 16 of 1,612,918 alleles (0.00099%); highest among the groups gnomAD compares: East Asian, 0.0022%; no homozygotes.

Submissions (5):

Labcorp Genetics (formerly Invitae), Labcorp
Classification: Uncertain significance. Last evaluated: 2025-08-14. Review status: criteria provided, single submitter. Criteria: Invitae Variant Classification Sherloc (09022015). Collection method: clinical testing. Allele origin: germline.
Comment: This sequence change creates a premature translational stop signal (p.Arg165*) in the CD151 gene. It is expected to result in an absent or disrupted protein product. However, the current clinical and genetic evidence is not sufficient to establish whether loss-of-function variants in CD151 cause disease. This variant is present in population databases (rs759213580, gnomAD 0.006%). This premature translational stop signal has been observed in individual(s) with nephropathy and/or deafness (PMID: 34853893, 35102923). ClinVar contains an entry for this variant (Variation ID: 1028736). In summary, the available evidence is currently insufficient to determine the role of this variant in disease. Therefore, it has been classified as a Variant of Uncertain Significance.

Daryl Scott Lab, Baylor College of Medicine
Classification: Pathogenic for Epidermolysis bullosa simplex 7, with nephropathy and deafness. Last evaluated: 2024-01-01. Review status: criteria provided, single submitter. Criteria: ACMG Guidelines, 2015. Collection method: clinical testing. Allele origin: biparental. Affected: yes. Observed: 1 homozygote.
Comment: PVS1, PM2

Genomic Medicine Center of Excellence, King Faisal Specialist Hospital and Research Centre
Classification: Pathogenic for Epidermolysis bullosa simplex 7, with nephropathy and deafness. Last evaluated: 2021-01-04. Review status: criteria provided, single submitter. Criteria: ACMG Guidelines, 2015. Collection method: clinical testing. Allele origin: germline. Affected: yes.

Baylor Genetics
Classification: Pathogenic for Epidermolysis bullosa simplex 7, with nephropathy and deafness. Last evaluated: 2020-06-09. Review status: criteria provided, single submitter. Criteria: ACMG Guidelines, 2015. Collection method: clinical testing. Allele origin: unknown. Affected: yes.
Comment: This variant was determined to be pathogenic according to ACMG Guidelines, 2015 [PMID:25741868].

Clinical Laboratory Sciences Program (CLSP), King Saud bin Abdulaziz University for Health Sciences (KSAU-HS)
Classification: Pathogenic for Epidermolysis bullosa simplex 7, with nephropathy and deafness. Last evaluated: 2020-06-09. Review status: no assertion criteria provided. Collection method: clinical testing. Allele origin: germline. Affected: yes. Not counted in ClinVar's aggregate classification.

Literature cited by the submitters: PubMed 34853893 (cited by Labcorp Genetics (formerly Invitae), Labcorp); PubMed 35102923 (cited by Labcorp Genetics (formerly Invitae), Labcorp).